The following is an entry in ClinVar:

NM_001003694.2(BRPF1):c.1087G>T (p.Ala363Ser)

Gene: BRPF1 (bromodomain and PHD finger containing 1; plus strand). Cytogenetic location: 3p25.3.
Variant type: single nucleotide variant.
Coding change: c.1087G>T on transcript NM_001003694.2 (MANE Select); coding-DNA position 1087, G replaced by T.
Protein change: p.Ala363Ser; replaces alanine 363 with serine.
Molecular consequence: missense variant. On other transcripts: non-coding transcript variant (1).
Genome position (GRCh38, 1-based): chr3:9,739,486, G>T. VCF-style: chr3-9739486-G-T. GRCh37 (hg19) VCF-style: chr3-9781170-G-T.
Other names: c.1087G>T, p.Ala363Ser (NM_001319049.2, NM_001319050.2, NM_001410704.1 and 7 more transcripts); short protein forms A363S.
Identifiers: ClinVar variation 5037453 (VCV005037453.1).
Genomic context (GRCh38, chr3:9,739,486, plus strand): 5'-ACAGATGACGGGCGCTGGGCCCATGTGGTGTGTGCCTTGTGGATCCCTGAGGTCTGCTTC[G>T]CCAACACGGTCTTCCTAGAGCCTATTGACAGCATTGAGCACATCCCACCAGCTCGCTGGA-3'
Protein context (NP_001003694.1, residues 353-373): CALWIPEVCF[Ala363Ser]NTVFLEPIDS

ClinVar aggregate classification (germline): Uncertain significance (1 of 4 stars; one submission).

Submission:

GeneDx
Classification: Uncertain significance. Last evaluated: 2026-04-20. Review status: criteria provided, single submitter. Criteria: GeneDx Variant Classification Process June 2021. Collection method: clinical testing. Allele origin: germline.
Comment: Not observed at significant frequency in large population cohorts (gnomAD); In silico analysis suggests that this missense variant does not alter protein structure/function; Has not been previously published as pathogenic or benign to our knowledge